The following is an entry in ClinVar:

ClinVar aggregate classification (germline): Uncertain significance (1 of 4 stars; one submission).

Conditions:
Wilson disease (WND). Also called: Wilson's disease. Identifiers: Orphanet 905, MedGen C0019202, MONDO:0010200, OMIM 277900. Disease mechanism: loss of function.

gnomAD v4.1: 1 of 1,614,082 alleles (0.000062%); highest among the groups gnomAD compares: Non-Finnish European, 0.000085%; no homozygotes.

Submission:

Color Diagnostics, LLC DBA Color Health
Classification: Uncertain significance for Wilson disease. Last evaluated: 2025-09-05. Review status: criteria provided, single submitter. Criteria: ACMG Guidelines, 2015. Collection method: clinical testing. Allele origin: germline.
Comment: This missense variant replaces lysine with arginine at codon 585 of the ATP7B protein. Computational prediction suggests that this variant may not impact protein structure and function. To our knowledge, functional studies have not been reported for this variant. This variant has not been reported in individuals affected with ATP7B-related disorders in the literature. This variant has not been identified in the general population by the Genome Aggregation Database (gnomAD). The available evidence is insufficient to determine the role of this variant in disease conclusively. Therefore, this variant is classified as a Variant of Uncertain Significance.

NM_000053.4(ATP7B):c.1754A>G (p.Lys585Arg)

Gene: ATP7B (ATPase copper transporting beta; minus strand). Cytogenetic location: 13q14.3.
Variant type: single nucleotide variant.
Coding change: c.1754A>G on transcript NM_000053.4 (MANE Select); coding-DNA position 1754, A replaced by G.
Protein change: p.Lys585Arg; replaces lysine 585 with arginine.
Molecular consequence: missense variant. On other transcripts: intron variant (3).
Genome position (GRCh38, 1-based): chr13:51,964,987, T>C on the plus strand (A>G on the coding strand, the complement: ATP7B is on the minus strand). VCF-style: chr13-51964987-T-C. GRCh37 (hg19) VCF-style: chr13-52539123-T-C.
Other names: c.1421A>G, p.Lys474Arg (NM_001243182.2); c.1754A>G, p.Lys585Arg (NM_001330578.2, NM_001330579.2, NM_001406511.1 and 24 more transcripts); c.1721A>G, p.Lys574Arg (NM_001406514.1, NM_001406524.1); c.1658A>G, p.Lys553Arg (NM_001406530.1, NM_001406536.1, NM_001406543.1 and 3 more transcripts); c.1325A>G, p.Lys442Arg (NM_001406539.1); c.1285+8948A>G (NM_001406548.1); c.1707+3457A>G (NM_001406547.1, NM_001406545.1); short protein forms K442R, K474R, K553R, K574R, K585R.
Identifiers: ClinVar variation 4756550 (VCV004756550.1).